The following is an entry in ClinVar:

ClinVar aggregate classification (germline): Uncertain significance (1 of 4 stars; one submission).

Submission:

Illumina Laboratory Services, Illumina
Classification: Uncertain significance. Last evaluated: 2022-10-20. Review status: criteria provided, single submitter. Criteria: ICSL CNVClassificationCriteria Aug2020. Collection method: clinical testing. Allele origin: unknown. Affected: yes.
Comment: The GNAL c.806C>G (p.Ser269Cys) missense variant results in the substitution of serine at amino acid position 269 with cysteine. To our knowledge, this variant has not been reported in the peer-reviewed literature. This variant is not found in version 2.1.1 or version 3.1.2 of the Genome Aggregation Database. Based on the available evidence, the c.806C>G p.(Ser269Cys) variant is classified as a variant of uncertain significance for DYT-GNAL.

NM_182978.4(GNAL):c.806C>G (p.Ser269Cys)

Gene: GNAL (G protein subunit alpha L; plus strand). Cytogenetic location: 18p11.21.
Variant type: single nucleotide variant.
Coding change: c.806C>G on transcript NM_182978.4 (MANE Select); coding-DNA position 806, C replaced by G.
Protein change: p.Ser269Cys; replaces serine 269 with cysteine.
Molecular consequence: missense variant. On other transcripts: 5 prime UTR variant (1).
Genome position (GRCh38, 1-based): chr18:11,864,561, C>G. VCF-style: chr18-11864561-C-G. GRCh37 (hg19) VCF-style: chr18-11864560-C-G.
Other names: c.575C>G, p.Ser192Cys (NM_001142339.3, NM_001261443.2, NM_001369387.1); c.-47C>G (NM_001261444.2); short protein forms S192C, S269C.
Identifiers: ClinVar variation 2429426 (VCV002429426.3), dbSNP rs2036218298, ClinGen allele CA401931651.